The following is an entry in ClinVar:

NM_031935.3(HMCN1):c.10073C>T (p.Thr3358Ile)

Gene: HMCN1 (hemicentin 1; plus strand). Cytogenetic location: 1q31.1.
Variant type: single nucleotide variant.
Coding change: c.10073C>T on transcript NM_031935.3 (MANE Select); coding-DNA position 10073, C replaced by T.
Protein change: p.Thr3358Ile; replaces threonine 3358 with isoleucine.
Molecular consequence: missense variant.
Genome position (GRCh38, 1-based): chr1:186,093,546, C>T. VCF-style: chr1-186093546-C-T. GRCh37 (hg19) VCF-style: chr1-186062678-C-T.
Other names: short protein forms T3358I.
Identifiers: ClinVar variation 1493238 (VCV001493238.6), dbSNP rs201310252, ClinGen allele CA1293637.

ClinVar aggregate classification (germline): Uncertain significance (1 of 4 stars; one submission).

Allele frequency attached by ClinVar (database versions not stated): gnomAD 0.00001; gnomAD exomes 0.00001.

Submission:

Labcorp Genetics (formerly Invitae), Labcorp
Classification: Uncertain significance. Last evaluated: 2025-01-27. Review status: criteria provided, single submitter. Criteria: Invitae Variant Classification Sherloc (09022015). Collection method: clinical testing. Allele origin: germline.
Comment: This sequence change replaces threonine, which is neutral and polar, with isoleucine, which is neutral and non-polar, at codon 3358 of the HMCN1 protein (p.Thr3358Ile). This variant is present in population databases (rs201310252, gnomAD 0.007%). This variant has not been reported in the literature in individuals affected with HMCN1-related conditions. ClinVar contains an entry for this variant (Variation ID: 1493238). An algorithm developed to predict the effect of missense changes on protein structure and function (PolyPhen-2) suggests that this variant is likely to be tolerated. In summary, the available evidence is currently insufficient to determine the role of this variant in disease. Therefore, it has been classified as a Variant of Uncertain Significance.